The following is an entry in ClinVar:

ClinVar aggregate classification (germline): Uncertain significance. Review status: criteria provided, multiple submitters, no conflicts (2 of 4 stars). 2 submissions from 2 submitters: Uncertain significance (2). Last evaluated 2026-07-28.

Conditions:
RP1-related disorder. Also called: RP1-related condition.
Inborn genetic diseases. Identifiers: MedGen C0950123, MeSH D030342.

gnomAD v4.1: 1 of 1,614,142 alleles (0.000062%); highest among the groups gnomAD compares: African/African-American, 0.0013%; no homozygotes.

Submissions (2):

Ambry Genetics
Classification: Uncertain significance for Inborn genetic diseases. Last evaluated: 2026-07-28. Review status: criteria provided, single submitter. Criteria: Ambry Variant Classification Scheme 2023. Collection method: clinical testing. Allele origin: germline.

PreventionGenetics, part of Exact Sciences
Classification: Uncertain significance for RP1-related condition. Last evaluated: 2025-03-19. Review status: criteria provided, single submitter. Criteria: ACMG Guidelines, 2015. Collection method: clinical testing. Allele origin: germline.
Comment: The RP1 c.1039A>G variant is predicted to result in the amino acid substitution p.Ile347Val. To our knowledge, this variant has not been reported in the literature or in a large population database (gnomAD), indicating this variant is rare. At this time, the clinical significance of this variant is uncertain due to the absence of conclusive functional and genetic evidence.

NM_006269.2(RP1):c.1039A>G (p.Ile347Val)

Gene: RP1 (RP1 axonemal microtubule associated; plus strand). Cytogenetic location: 8q12.1.
Variant type: single nucleotide variant.
Coding change: c.1039A>G on transcript NM_006269.2 (MANE Select); coding-DNA position 1039, A replaced by G.
Protein change: p.Ile347Val; replaces isoleucine 347 with valine.
Molecular consequence: missense variant. On other transcripts: intron variant (1).
Genome position (GRCh38, 1-based): chr8:54,624,921, A>G. VCF-style: chr8-54624921-A-G. GRCh37 (hg19) VCF-style: chr8-55537481-A-G.
Other names: c.787+2633A>G (NM_001375654.1); short protein forms I347V.
Identifiers: ClinVar variation 4990275 (VCV004990275.2).